The following is an entry in ClinVar:

ClinVar aggregate classification (germline): Pathogenic/Likely pathogenic. Review status: criteria provided, multiple submitters, no conflicts (2 of 4 stars). 7 submissions from 7 submitters: Pathogenic (2); Likely pathogenic (5). Last evaluated 2025-09-23.

Conditions:
Melanoma-pancreatic cancer syndrome. Identifiers: Orphanet 404560, MedGen C1838547, MONDO:0011713, OMIM 606719. Disease mechanism: loss of function.
Melanoma and neural system tumor syndrome. Also called: MELANOMA-ASTROCYTOMA SYNDROME. Identifiers: Orphanet 252206, MedGen C1835042, MONDO:0007967, OMIM 155755.
Familial melanoma. Also called: Hereditary melanoma; Hereditary cutaneous melanoma. Identifiers: Orphanet 618, MedGen C1512419, MONDO:0018961.
Hereditary cancer-predisposing syndrome. Also called: Neoplastic Syndromes, Hereditary; Hereditary Cancer Syndrome; Tumor predisposition; Hereditary neoplastic syndrome. Identifiers: Orphanet 140162, MedGen C0027672, MeSH D009386, MONDO:0015356.

gnomAD v4.1: 1 of 1,614,024 alleles (0.000062%); highest among the groups gnomAD compares: Admixed American, 0.0017%; no homozygotes.

Submissions (8):

Labcorp Genetics (formerly Invitae), Labcorp
Classification: Likely pathogenic for Familial melanoma. Last evaluated: 2025-09-23. Review status: criteria provided, single submitter. Criteria: Invitae Variant Classification Sherloc (09022015). Collection method: clinical testing. Allele origin: germline.
Comment: This sequence change replaces glutamine, which is neutral and polar, with arginine, which is basic and polar, at codon 50 of the CDKN2A (p16INK4a) protein (p.Gln50Arg). This variant is present in population databases (no rsID available, gnomAD 0.003%). This missense change has been observed in individual(s) with melanoma and/or pancreatic cancer (PMID: 8595405, 11477665, 11500805, 25356972, 26775776). It has also been observed to segregate with disease in related individuals. ClinVar contains an entry for this variant (Variation ID: 232304). An algorithm developed to predict the effect of missense changes on protein structure and function (PolyPhen-2) suggests that this variant is likely to be disruptive. Experimental studies have shown that this missense change affects CDKN2A (p16INK4a) function (PMID: 8573142, 35001868). Algorithms developed to predict the effect of sequence changes on RNA splicing suggest that this variant may disrupt the consensus splice site. In summary, the currently available evidence indicates that the variant is pathogenic, but additional data are needed to prove that conclusively. Therefore, this variant has been classified as Likely Pathogenic.

GeneDx
Classification: Likely pathogenic. Last evaluated: 2024-11-24. Review status: criteria provided, single submitter. Criteria: GeneDx Variant Classification Process June 2021. Collection method: clinical testing. Allele origin: germline. Affected: yes.
Comment: Observed in individuals with melanoma or pancreatic cancer and segregated with disease in at least one family (PMID: 8595405, 11477665, 12072543, 15146471, 16905682, 25356972, 26775776); In silico analysis supports that this missense variant has a deleterious effect on protein structure/function; Not observed at significant frequency in large population cohorts (gnomAD); This variant is associated with the following publications: (PMID: 21462282, 9461066, 18573309, 11500805, 23178718, 11477665, 15146471, 25356972, 12072543, 16905682, 10596908, 11687599, 9917418, 8595405, 28830827, 26775776, 9751050, 9823374, 26619011, 26681309, 8573142, 9653180, 9529249, 16173922, 8723678, 35001868, 37611275)

Ambry Genetics
Classification: Pathogenic for Hereditary cancer-predisposing syndrome. Last evaluated: 2024-11-21. Review status: criteria provided, single submitter. Criteria: Ambry Variant Classification Scheme 2023. Collection method: clinical testing. Allele origin: germline.
Comment: The p.Q50R pathogenic mutation (also known as c.149A>G), located in coding exon 1 of the CDKN2A gene, results from an A to G substitution at nucleotide position 149. The glutamine at codon 50 is replaced by arginine, an amino acid with highly similar properties. This alteration has been detected in numerous melanoma and pancreatic cancer cohorts (Walker GJ et al. Hum. Mol. Genet. 1995 Oct;4:1845-52; Box NF et al. Am. J. Hum. Genet. 2001 Oct;69:765-73; Pollock PM et al. Genes Chromosomes Cancer. 2001 Sep;32:89-94; Zhen DB et al. Genet. Med. 2015 Jul;17:569-77; Bruno W et al. Oncotarget. 2018 Jun;9:28798; Ambry internal data). It was also found to segregate with melanoma in at least six melanoma-affected individuals in one family (Walker GJ et al. Hum. Mol. Genet. 1995 Oct;4:1845-52; Box NF et al. Am. J. Hum. Genet. 2001 Oct;69:765-73). Based on internal structural analysis, this amino acid substitution is anticipated to result in a significant decrease in structural stability (Russo AA et al. Nature. 1998 Sep;395:237-43; Ambry internal data). A different substitution at the same position (CDKN2A c.149A>C, p.Q50P) shows both a splice defect and defective CDK4 binding by the native protein harboring only the missense change (Loo JC et al. Oncogene. 2003 Sep; 22(41):6387-94). This amino acid position is highly conserved in available vertebrate species. In silico splice site analysis for this alteration is inconclusive. Based on the supporting evidence, this alteration is interpreted as a disease-causing mutation.

Baylor Genetics
Classification: Likely pathogenic for Melanoma and neural system tumor syndrome. Last evaluated: 2024-02-29. Review status: criteria provided, single submitter. Criteria: ACMG Guidelines, 2015. Collection method: clinical testing. Allele origin: unknown.

Color Diagnostics, LLC DBA Color Health
Classification: Pathogenic for Hereditary cancer-predisposing syndrome. Last evaluated: 2023-02-21. Review status: criteria provided, single submitter. Criteria: ACMG Guidelines, 2015. Collection method: clinical testing. Allele origin: germline.
Comment: This missense variant replaces glutamine with arginine at codon 50 in the ankyrin repeat 2 of the CDKN2A (p16INK4A) protein. Computational prediction is inconclusive regarding the impact of this variant on protein structure and function (internally defined REVEL score threshold 0.5 < inconclusive < 0.7, PMID: 27666373). Functional studies showed that this variant affected cell cycle control and failed to suppress cell proliferation (PMID: 35001868). Splice site prediction tools suggest that this variant may impact RNA splicing, although this prediction has not been investigated in RNA studies. This variant has been reported in individuals and families affected with melanoma (PMID: 11477665, 12072543, 16905682, 26681309, 26775776, 28830827, 29464027, 32455486; Cardelli 2020, dissertation, University of L'Aquila; Haghighat, et al. P-07, CGA-IGC 2022) and familial pancreatic cancer (PMID 25356972). This variant has been shown to segregate with disease in six related individuals affected with melanoma (PMID: 8595405). This variant has been identified in 1/249628 chromosomes in the general population by the Genome Aggregation Database (gnomAD). Notably, a different nucleotide substitution at the same position, c.149A>C (p.Gln50Pro), has been observed in individuals affected with melanoma (Clinvar Variation ID: 187713) and shown to affect RNA splicing and p16INK4A protein function (PMID: 14508519). Based on the available evidence, this variant is classified as Pathogenic.

Myriad Genetics, Inc.
Classification: Likely pathogenic for Melanoma-pancreatic cancer syndrome. Last evaluated: 2023-02-09. Review status: criteria provided, single submitter. Criteria: Myriad Autosomal Dominant, Autosomal Recessive and X-Linked Classification Criteria (2023). Collection method: clinical testing. Allele origin: unknown.
Comment: This variant is considered likely pathogenic. Functional studies indicate this variant impacts protein function [PMID: 35001868]. This variant is expected to disrupt protein structure [Myriad internal data]. This variant has been reported in multiple individuals with clinical features of gene-specific disease [PMID: 8595405, 11477665, 26775776, 25356972].

Women's Health and Genetics/Laboratory Corporation of America, LabCorp
Classification: Likely pathogenic for Hereditary cutaneous melanoma. Last evaluated: 2020-03-31. Review status: criteria provided, single submitter. Criteria: LabCorp Variant Classification Summary - May 2015. Collection method: clinical testing. Allele origin: germline.
Comment: Variant summary: CDKN2A c.149A>G (p.Gln50Arg) results in a conservative amino acid change in the encoded protein sequence. Three of five in-silico tools predict a damaging effect of the variant on protein function. The variant allele was found at a frequency of 4e-06 in 249628 control chromosomes. c.149A>G has been reported in the literature in individuals affected with melanoma (Walker_1995, Pollock_2001, Puig_2016, Bruno_2016) and familial pancreatic cancer (Zhen_2015). In one family, 6 transmissions of the variant allele and 1 transmission of the reference allele to affected individuals was reported (Walker_1995). These data indicate that the variant is likely to be associated with disease. Co-occurrence with a pathogenic variant has been reported (CHEK2 c.1283C>T, p.Ser428Phe), providing supporting evidence for a benign role. To our knowledge, no experimental evidence demonstrating an impact on protein function has been reported. Three clinical diagnostic laboratories have submitted clinical-significance assessments for this variant to ClinVar after 2014 without evidence for independent evaluation. Based on the evidence outlined above, the variant was classified as likely pathogenic.

Dr. Peter K. Rogan Lab, Western University
No classification provided (evidence only). Condition: Squamous cell carcinoma of the head and neck. Review status: no classification provided. Collection method: in vitro. Allele origin: not applicable. Functional consequence: retained intron. Not counted in ClinVar's aggregate classification.

Literature cited by the submitters: PubMed 8595405 (cited by 5 submitters); PubMed 11477665 (cited by 5 submitters); PubMed 11500805 (cited by Labcorp Genetics (formerly Invitae), Labcorp and Ambry Genetics); PubMed 25356972 (cited by 5 submitters); PubMed 26775776 (cited by 5 submitters); PubMed 8573142 (cited by Labcorp Genetics (formerly Invitae), Labcorp); PubMed 35001868 (cited by 3 submitters); PubMed 11687599 (cited by Ambry Genetics); PubMed 12072543 (cited by Ambry Genetics and Color Diagnostics, LLC DBA Color Health); PubMed 16905682 (cited by Ambry Genetics and Color Diagnostics, LLC DBA Color Health); PubMed 18573309 (cited by Ambry Genetics); PubMed 21462282 (cited by Ambry Genetics); PubMed 28830827 (cited by Ambry Genetics and Color Diagnostics, LLC DBA Color Health); PubMed 29983899 (cited by Ambry Genetics); PubMed 8723678 (cited by Ambry Genetics); PubMed 9751050 (cited by Ambry Genetics); PubMed 9823374 (cited by Ambry Genetics); PubMed 14508519 (cited by Color Diagnostics, LLC DBA Color Health); PubMed 26681309 (cited by Color Diagnostics, LLC DBA Color Health and Women's Health and Genetics/Laboratory Corporation of America, LabCorp); PubMed 29464027 (cited by Color Diagnostics, LLC DBA Color Health); PubMed 32455486 (cited by Color Diagnostics, LLC DBA Color Health).

NM_000077.5(CDKN2A):c.149A>G (p.Gln50Arg)

Gene: CDKN2A (cyclin dependent kinase inhibitor 2A; minus strand). Cytogenetic location: 9p21.3.
Variant type: single nucleotide variant.
Coding change: c.149A>G on transcript NM_000077.5; coding-DNA position 149, A replaced by G.
Protein change: p.Gln50Arg; replaces glutamine 50 with arginine.
Molecular consequence: missense variant (on NM_000077.6). On other transcripts: intron variant (2).
Genome position (GRCh38, 1-based): chr9:21,974,679, T>C on the plus strand (A>G on the coding strand, the complement: CDKN2A is on the minus strand). VCF-style: chr9-21974679-T-C. GRCh37 (hg19) VCF-style: chr9-21974678-T-C.
Other names: c.149A>G, p.Gln50Arg (NM_000077.6, NM_001195132.2, NM_058197.5); c.-3-3471A>G (NM_001363763.2); c.194-3471A>G (NM_058195.4); short protein forms Q50R.
Identifiers: ClinVar variation 232304 (VCV000232304.28), dbSNP rs587778189, ClinGen allele CA10578849.
Genomic context (GRCh38, chr9:21,974,679, plus strand): 5'-AACTTCGTCCTCCAGAGTCGCCCGCCATCCCCTGCTCCCGCTGCAGACCCTCTACCCACC[T>C]GGATCGGCCTCCGACCGTAACTATTCGGTGCGTTGGGCAGCGCCCCCGCCTCCAGCAGCG-3'
Protein context (NP_000068.1, residues 40-60): APNSYGRRPI[Gln50Arg]VMMMGSARVA